The following is an entry in ClinVar:

ClinVar aggregate classification (germline): Uncertain significance (1 of 4 stars; one submission).

Conditions:
Inborn genetic diseases. Identifiers: MedGen C0950123, MeSH D030342.

Submission:

Ambry Genetics
Classification: Uncertain significance for Inborn genetic diseases. Last evaluated: 2025-03-30. Review status: criteria provided, single submitter. Criteria: Ambry Variant Classification Scheme 2023. Collection method: clinical testing. Allele origin: germline.
Comment: The p.D409E variant (also known as c.1227C>G), located in coding exon 8 of the MECOM gene, results from a C to G substitution at nucleotide position 1227. The aspartic acid at codon 409 is replaced by glutamic acid, an amino acid with highly similar properties. This amino acid position is conserved. In addition, the in silico prediction for this alteration is inconclusive. Based on the available evidence, the clinical significance of this variant remains unclear.

NM_004991.4(MECOM):c.1227C>G (p.Asp409Glu)

Gene: MECOM (MDS1 and EVI1 complex locus; minus strand). Cytogenetic location: 3q26.2.
Variant type: single nucleotide variant.
Coding change: c.1227C>G on transcript NM_004991.4 (MANE Select); coding-DNA position 1227, C replaced by G.
Protein change: p.Asp409Glu; replaces aspartic acid 409 with glutamic acid.
Molecular consequence: missense variant. On other transcripts: intron variant (2).
Genome position (GRCh38, 1-based): chr3:169,116,645, G>C on the plus strand (C>G on the coding strand, the complement: MECOM is on the minus strand). VCF-style: chr3-169116645-G-C. GRCh37 (hg19) VCF-style: chr3-168834433-G-C.
Other names: c.858C>G, p.Asp286Glu (NM_001105077.4); c.663C>G, p.Asp221Glu (NM_001105078.4, NM_001164000.2, NM_001205194.2 and 4 more transcripts); c.666C>G, p.Asp222Glu (NM_001163999.2, NM_001366467.2, NM_001366468.2 and 1 more transcripts); c.1227C>G, p.Asp409Glu (NM_001366466.2); c.1133-878C>G (NM_001366473.2); c.569-878C>G (NM_001366474.2); short protein forms D221E, D286E, D409E, D222E.
Identifiers: ClinVar variation 4053123 (VCV004053123.1).